The following is an entry in ClinVar:

ClinVar aggregate classification (germline): Pathogenic (1 of 4 stars; one submission).

Conditions:
Cardiovascular phenotype. Identifiers: MedGen CN230736.

Submission:

Ambry Genetics
Classification: Pathogenic for Cardiovascular phenotype. Last evaluated: 2024-05-20. Review status: criteria provided, single submitter. Criteria: Ambry Variant Classification Scheme 2023. Collection method: clinical testing. Allele origin: germline.
Comment: The c.2082_2086delAGCCA pathogenic mutation, located in coding exon 22 of the MYBPC3 gene, results from a deletion of 5 nucleotides at nucleotide positions 2082 to 2086, causing a translational frameshift with a predicted alternate stop codon (p.R696Sfs*10). This variant is considered to be rare based on population cohorts in the Genome Aggregation Database (gnomAD). This alteration is expected to result in loss of function by premature protein truncation or nonsense-mediated mRNA decay. As such, this alteration is interpreted as a disease-causing mutation.

NM_000256.3(MYBPC3):c.2082_2086del (p.Arg696fs)

Gene: MYBPC3 (myosin binding protein C3; minus strand). Cytogenetic location: 11p11.2.
Variant type: Deletion.
Coding change: c.2082_2086del on transcript NM_000256.3 (MANE Select); coding-DNA positions 2082 to 2086, 5 bases deleted (AGCCA; older notation c.2082_2086delAGCCA).
Protein change: p.Arg696fs; shifts the reading frame from arginine 696.
Molecular consequence: frameshift variant.
Genome position (GRCh38, 1-based): chr11:47,339,386-47,339,390, TGGCT deleted on the plus strand (AGCCA on the coding strand, the reverse complement: MYBPC3 is on the minus strand). VCF-style (leftmost placement, unchanged base first): chr11-47339385-CTGGCT-C. GRCh37 (hg19) VCF-style: chr11-47360936-CTGGCT-C.
Other names: c.2082_2086delAGCCA (NM_000256.3); short protein forms R696fs.
Identifiers: ClinVar variation 1785575 (VCV001785575.3), dbSNP rs2495754771, ClinGen allele CA2580084181.